The following is an entry in ClinVar:

ClinVar aggregate classification (germline): Uncertain significance (1 of 4 stars; one submission).

Allele frequency attached by ClinVar (database versions not stated): gnomAD exomes below 0.00001; gnomAD 0.00001.
gnomAD v4.1: 3 of 1,614,098 alleles (0.00019%); highest among the groups gnomAD compares: African/African-American, 0.0013%; no homozygotes.

Submission:

Labcorp Genetics (formerly Invitae), Labcorp
Classification: Uncertain significance. Last evaluated: 2023-11-14. Review status: criteria provided, single submitter. Criteria: Invitae Variant Classification Sherloc (09022015). Collection method: clinical testing. Allele origin: germline.
Comment: This sequence change replaces serine, which is neutral and polar, with phenylalanine, which is neutral and non-polar, at codon 405 of the VDR protein (p.Ser405Phe). This variant is present in population databases (no rsID available, gnomAD 0.004%). This variant has not been reported in the literature in individuals affected with VDR-related conditions. Advanced modeling of protein sequence and biophysical properties (such as structural, functional, and spatial information, amino acid conservation, physicochemical variation, residue mobility, and thermodynamic stability) performed at Invitae indicates that this missense variant is not expected to disrupt VDR protein function with a negative predictive value of 80%. In summary, the available evidence is currently insufficient to determine the role of this variant in disease. Therefore, it has been classified as a Variant of Uncertain Significance.

NM_000376.3(VDR):c.1214C>T (p.Ser405Phe)

Gene: VDR (vitamin D receptor; minus strand). Cytogenetic location: 12q13.11.
Variant type: single nucleotide variant.
Coding change: c.1214C>T on transcript NM_000376.3 (MANE Select); coding-DNA position 1214, C replaced by T.
Protein change: p.Ser405Phe; replaces serine 405 with phenylalanine.
Molecular consequence: missense variant.
Genome position (GRCh38, 1-based): chr12:47,844,816, G>A on the plus strand (C>T on the coding strand, the complement: VDR is on the minus strand). VCF-style: chr12-47844816-G-A. GRCh37 (hg19) VCF-style: chr12-48238599-G-A.
Other names: c.1214C>T, p.Ser405Phe (NM_001017535.2, NM_001364085.2, NM_001374661.1 and 1 more transcripts); c.1364C>T, p.Ser455Phe (NM_001017536.2); short protein forms S405F, S455F.
Identifiers: ClinVar variation 2792281 (VCV002792281.2), dbSNP rs1283059621, ClinGen allele CA384513881.